The following is an entry in ClinVar:

NM_015650.4(IFT54):c.1220G>A (p.Arg407Gln)

Gene: IFT54 (intraflagellar transport 54; plus strand). Cytogenetic location: 2q37.3.
Variant type: single nucleotide variant.
Coding change: c.1220G>A on transcript NM_015650.4 (MANE Select); coding-DNA position 1220, G replaced by A.
Protein change: p.Arg407Gln; replaces arginine 407 with glutamine.
Molecular consequence: missense variant. On other transcripts: intron variant (1).
Genome position (GRCh38, 1-based): chr2:238,344,557, G>A. VCF-style: chr2-238344557-G-A. GRCh37 (hg19) VCF-style: chr2-239253198-G-A.
Other names: c.1064-2898G>A (NM_001139490.1); short protein forms R407Q.
Identifiers: ClinVar variation 858078 (VCV000858078.6), dbSNP rs141000731, ClinGen allele CA2198323.

ClinVar aggregate classification (germline): Conflicting classifications of pathogenicity. Review status: criteria provided, conflicting classifications (1 of 4 stars). 3 submissions from 3 submitters: Uncertain significance (2); Likely benign (1). Last evaluated 2024-11-06.

Conditions:
Inborn genetic diseases. Identifiers: MedGen C0950123, MeSH D030342.

Allele frequency attached by ClinVar (database versions not stated): gnomAD exomes 0.00011; ExAC 0.00014; ESP Exome Variant Server 0.00023; gnomAD 0.00027 and 0.00030; TOPMed 0.00033.
gnomAD v4.1: 146 of 1,614,168 alleles (0.009%); highest among the groups gnomAD compares: East Asian, 0.062%; 1 homozygote.

Submissions (3):

Blueprint Genetics
Classification: Likely benign. Last evaluated: 2024-11-06. Review status: criteria provided, single submitter. Criteria: ACMG Guidelines, 2015. Collection method: clinical testing. Allele origin: germline.

Labcorp Genetics (formerly Invitae), Labcorp
Classification: Uncertain significance. Last evaluated: 2022-10-05. Review status: criteria provided, single submitter. Criteria: Invitae Variant Classification Sherloc (09022015). Collection method: clinical testing. Allele origin: germline.
Comment: This sequence change replaces arginine, which is basic and polar, with glutamine, which is neutral and polar, at codon 407 of the TRAF3IP1 protein (p.Arg407Gln). This variant is present in population databases (rs141000731, gnomAD 0.1%). This variant has not been reported in the literature in individuals affected with TRAF3IP1-related conditions. ClinVar contains an entry for this variant (Variation ID: 858078). Algorithms developed to predict the effect of missense changes on protein structure and function are either unavailable or do not agree on the potential impact of this missense change (SIFT: "Tolerated"; PolyPhen-2: "Possibly Damaging"; Align-GVGD: "Class C0"). Algorithms developed to predict the effect of sequence changes on RNA splicing suggest that this variant may disrupt the consensus splice site. In summary, the available evidence is currently insufficient to determine the role of this variant in disease. Therefore, it has been classified as a Variant of Uncertain Significance.

Ambry Genetics
Classification: Uncertain significance for Inborn genetic diseases. Last evaluated: 2021-09-16. Review status: criteria provided, single submitter. Criteria: Ambry Variant Classification Scheme 2023. Collection method: clinical testing. Allele origin: germline.